The following is an entry in ClinVar:

ClinVar aggregate classification (germline): Uncertain significance (1 of 4 stars; one submission).

Allele frequency attached by ClinVar (database versions not stated): gnomAD exomes below 0.00001; TOPMed 0.00001.
gnomAD v4.1: 2 of 1,613,410 alleles (0.00012%); highest among the groups gnomAD compares: Admixed American, 0.0017%; no homozygotes.

Submission:

Labcorp Genetics (formerly Invitae), Labcorp
Classification: Uncertain significance. Last evaluated: 2024-03-17. Review status: criteria provided, single submitter. Criteria: Invitae Variant Classification Sherloc (09022015). Collection method: clinical testing. Allele origin: germline.
Comment: This sequence change replaces glycine, which is neutral and non-polar, with aspartic acid, which is acidic and polar, at codon 737 of the MPDZ protein (p.Gly737Asp). This variant is present in population databases (no rsID available, gnomAD 0.003%). This variant has not been reported in the literature in individuals affected with MPDZ-related conditions. ClinVar contains an entry for this variant (Variation ID: 1045384). An algorithm developed to predict the effect of missense changes on protein structure and function (PolyPhen-2) suggests that this variant is likely to be disruptive. In summary, the available evidence is currently insufficient to determine the role of this variant in disease. Therefore, it has been classified as a Variant of Uncertain Significance.

NM_001378778.1(MPDZ):c.2210G>A (p.Gly737Asp)

Gene: MPDZ (multiple PDZ domain crumbs cell polarity complex component; minus strand). Cytogenetic location: 9p23.
Variant type: single nucleotide variant.
Coding change: c.2210G>A on transcript NM_001378778.1 (MANE Select); coding-DNA position 2210, G replaced by A.
Protein change: p.Gly737Asp; replaces glycine 737 with aspartic acid.
Molecular consequence: missense variant.
Genome position (GRCh38, 1-based): chr9:13,188,938, C>T on the plus strand (G>A on the coding strand, the complement: MPDZ is on the minus strand). VCF-style: chr9-13188938-C-T. GRCh37 (hg19) VCF-style: chr9-13188937-C-T.
Other names: c.2210G>A, p.Gly737Asp (NM_001261406.2, NM_001261407.2, NM_001330637.2 and 14 more transcripts); short protein forms G737D.
Identifiers: ClinVar variation 1045384 (VCV001045384.10), dbSNP rs1398326293, ClinGen allele CA372937742.